The following is an entry in ClinVar:

NM_004006.3(DMD):c.2050del (p.Thr684fs)

Gene: DMD (dystrophin; minus strand). Cytogenetic location: Xp21.1.
Variant type: Deletion.
Coding change: c.2050del on transcript NM_004006.3 (MANE Select); coding-DNA position 2050, one base deleted (A; older notation c.2050delA).
Protein change: p.Thr684fs; shifts the reading frame from threonine 684.
Molecular consequence: frameshift variant.
Genome position (GRCh38, 1-based): chrX:32,545,277, T deleted on the plus strand (A on the coding strand, the reverse complement: DMD is on the minus strand); the first of 3 consecutive T bases (chrX:32,545,277-32,545,279); deleting any one gives the same sequence. VCF-style (leftmost placement, unchanged base first): chrX-32545276-GT-G. GRCh37 (hg19) VCF-style: chrX-32563393-GT-G.
Other names: c.2026del, p.Thr676fs (NM_000109.4); c.2038del, p.Thr680fs (NM_004009.3); c.1681del, p.Thr561fs (NM_004010.3); short protein forms T684fs, T680fs, T561fs, T676fs.
Identifiers: ClinVar variation 2763161 (VCV002763161.3), dbSNP rs2526093455, ClinGen allele CA2697552991.

ClinVar aggregate classification (germline): Pathogenic (1 of 4 stars; one submission).

Conditions:
Duchenne muscular dystrophy (DMD). Also called: MUSCULAR DYSTROPHY, PSEUDOHYPERTROPHIC PROGRESSIVE, DUCHENNE TYPE; Duchenne Muscular Dystrophy (DMD). Identifiers: Orphanet 98896, MedGen C0013264, MONDO:0010679, OMIM 310200.

Submission:

Labcorp Genetics (formerly Invitae), Labcorp
Classification: Pathogenic for Duchenne muscular dystrophy. Last evaluated: 2023-10-20. Review status: criteria provided, single submitter. Criteria: Invitae Variant Classification Sherloc (09022015). Collection method: clinical testing. Allele origin: germline.
Comment: This sequence change creates a premature translational stop signal (p.Thr684Glnfs*2) in the DMD gene. It is expected to result in an absent or disrupted protein product. Loss-of-function variants in DMD are known to be pathogenic (PMID: 16770791, 25007885). This variant is not present in population databases (gnomAD no frequency). This variant has not been reported in the literature in individuals affected with DMD-related conditions. For these reasons, this variant has been classified as Pathogenic.

Literature cited by the submitters: PubMed 16770791; PubMed 25007885.